The following is an entry in ClinVar:

ClinVar aggregate classification (germline): Uncertain significance. Review status: criteria provided, multiple submitters, no conflicts (2 of 4 stars). 2 submissions from 2 submitters: Uncertain significance (2). Last evaluated 2025-02-25.

Conditions:
Hereditary cancer-predisposing syndrome. Also called: Hereditary Cancer Syndrome; Hereditary neoplastic syndrome; Neoplastic Syndromes, Hereditary; Tumor predisposition. Identifiers: Orphanet 140162, MedGen C0027672, MeSH D009386, MONDO:0015356.
Mitochondrial complex II deficiency, nuclear type 1. Also called: SUCCINATE CoQ REDUCTASE DEFICIENCY. Identifiers: Orphanet 3208, MedGen C5700310, MONDO:0100294, OMIM 252011.
Pheochromocytoma/paraganglioma syndrome 5. Also called: Paragangliomas 5; SDHA-Related Hereditary Paraganglioma-Pheochromocytoma Syndrome. Identifiers: Orphanet 29072, MedGen C3279992, MONDO:0013602, OMIM 614165.

Submissions (2):

Labcorp Genetics (formerly Invitae), Labcorp
Classification: Uncertain significance for Pheochromocytoma/paraganglioma syndrome 5; Mitochondrial complex II deficiency, nuclear type 1. Last evaluated: 2025-02-25. Review status: criteria provided, single submitter. Criteria: Invitae Variant Classification Sherloc (09022015). Collection method: clinical testing. Allele origin: germline.
Comment: This sequence change replaces glutamic acid, which is acidic and polar, with alanine, which is neutral and non-polar, at codon 240 of the SDHA protein (p.Glu240Ala). This variant is not present in population databases (gnomAD no frequency). This variant has not been reported in the literature in individuals affected with SDHA-related conditions. ClinVar contains an entry for this variant (Variation ID: 1757612). Invitae Evidence Modeling of protein sequence and biophysical properties (such as structural, functional, and spatial information, amino acid conservation, physicochemical variation, residue mobility, and thermodynamic stability) indicates that this missense variant is not expected to disrupt SDHA protein function with a negative predictive value of 95%. In summary, the available evidence is currently insufficient to determine the role of this variant in disease. Therefore, it has been classified as a Variant of Uncertain Significance.

Ambry Genetics
Classification: Uncertain significance for Hereditary cancer-predisposing syndrome. Last evaluated: 2022-10-15. Review status: criteria provided, single submitter. Criteria: Ambry Variant Classification Scheme 2023. Collection method: clinical testing. Allele origin: germline.
Comment: The p.E240A variant (also known as c.719A>C), located in coding exon 6 of the SDHA gene, results from an A to C substitution at nucleotide position 719. The glutamic acid at codon 240 is replaced by alanine, an amino acid with dissimilar properties. This amino acid position is conserved. In addition, this alteration is predicted to be deleterious by in silico analysis. Since supporting evidence is limited at this time, the clinical significance of this alteration remains unclear.

NM_004168.4(SDHA):c.719A>C (p.Glu240Ala)

Gene: SDHA (succinate dehydrogenase complex flavoprotein subunit A; plus strand). Cytogenetic location: 5p15.33.
Variant type: single nucleotide variant.
Coding change: c.719A>C on transcript NM_004168.4 (MANE Select); coding-DNA position 719, A replaced by C.
Protein change: p.Glu240Ala; replaces glutamic acid 240 with alanine.
Molecular consequence: missense variant.
Genome position (GRCh38, 1-based): chr5:228,282, A>C. VCF-style: chr5-228282-A-C. GRCh37 (hg19) VCF-style: chr5-228397-A-C.
Other names: c.575A>C, p.Glu192Ala (NM_001294332.2); c.719A>C, p.Glu240Ala (NM_001330758.2); short protein forms E192A, E240A.
Identifiers: ClinVar variation 1757612 (VCV001757612.5), dbSNP rs2477316673, ClinGen allele CA359011038.